The following is an entry in ClinVar:

ClinVar aggregate classification (germline): Conflicting classifications of pathogenicity. Review status: criteria provided, conflicting classifications (1 of 4 stars). 2 submissions from 2 submitters: Uncertain significance (1); Likely benign (1). Last evaluated 2025-04-08.

Conditions:
Hereditary breast ovarian cancer syndrome. Also called: Hereditary breast and ovarian cancer; Hereditary breast and/or ovarian cancer syndrome; Hereditary breast and ovarian cancer syndrome; Hereditary breast and ovarian cancer syndrome (HBOC); Breast and ovarian cancer; BRCA1- and BRCA2-Associated Hereditary Breast and Ovarian Cancer. Identifiers: Orphanet 145, MedGen C0677776, MeSH D061325, MONDO:0003582. Disease mechanism: loss of function.

Submissions (2):

Labcorp Genetics (formerly Invitae), Labcorp
Classification: Uncertain significance for Hereditary breast ovarian cancer syndrome. Last evaluated: 2025-04-08. Review status: criteria provided, single submitter. Criteria: Invitae Variant Classification Sherloc (09022015). Collection method: clinical testing. Allele origin: germline.
Comment: This variant occurs in a non-coding region of the BRCA2 gene. It does not change the encoded amino acid sequence of the BRCA2 protein. Information on the frequency of this variant in the gnomAD database is not available, as this variant may be reported differently in the database. This variant has not been reported in the literature in individuals affected with BRCA2-related conditions. ClinVar contains an entry for this variant (Variation ID: 421345). In summary, the available evidence is currently insufficient to determine the role of this variant in disease. Therefore, it has been classified as a Variant of Uncertain Significance.

GeneDx
Classification: Likely benign. Last evaluated: 2016-05-31. Review status: criteria provided, single submitter. Criteria: GeneDx Variant Classification (06012015). Collection method: clinical testing. Allele origin: germline. Affected: yes.
Comment: This variant is considered likely benign or benign based on one or more of the following criteria: it is a conservative change, it occurs at a poorly conserved position in the protein, it is predicted to be benign by multiple in silico algorithms, and/or has population frequency not consistent with disease.

NM_000059.4(BRCA2):c.-26_-25delinsAG

Gene: BRCA2 (BRCA2 DNA repair associated; plus strand). Cytogenetic location: 13q13.1.
Variant type: Indel.
Coding change: c.-26_-25delinsAG on transcript NM_000059.4 (MANE Select); 26 bases upstream of the start codon through 25 bases upstream of the start codon, GC replaced by AG.
Molecular consequence: 5 prime UTR variant.
Genome position (GRCh38, 1-based): chr13:32,316,435-32,316,436, GC replaced by AG. VCF-style: chr13-32316435-GC-AG. GRCh37 (hg19) VCF-style: chr13-32890572-GC-AG.
Other names: c.-26_-25delGCinsAG (NM_000059.3).
Identifiers: ClinVar variation 421345 (VCV000421345.7), dbSNP rs1064795074, ClinGen allele CA16619630.
Genomic context (GRCh38, chr13:32,316,435, plus strand): 5'-AAGGAATGCATCCCTGTGTAAGTGCATTTTGGTCTTCTGTTTTGCAGACTTATTTACCAA[GC>AG]ATTGGAGGAATATCGTAGGTAAAAATGCCTATTGGATCCAAAGAGAGGCCAACATTTTTT-3'